The following is an entry in ClinVar:

NM_001378454.1(ALMS1):c.10258G>C (p.Asp3420His)

Gene: ALMS1 (ALMS1 centrosome and basal body associated protein; plus strand). Cytogenetic location: 2p13.1.
Variant type: single nucleotide variant.
Coding change: c.10258G>C on transcript NM_001378454.1 (MANE Select); coding-DNA position 10258, G replaced by C.
Protein change: p.Asp3420His; replaces aspartic acid 3420 with histidine.
Molecular consequence: missense variant.
Genome position (GRCh38, 1-based): chr2:73,559,016, G>C. VCF-style: chr2-73559016-G-C. GRCh37 (hg19) VCF-style: chr2-73786143-G-C.
Other names: c.10261G>C, p.Asp3421His (NM_015120.4); short protein forms D3421H, D3420H.
Identifiers: ClinVar variation 4990056 (VCV004990056.1).

ClinVar aggregate classification (germline): Uncertain significance (1 of 4 stars; one submission).

Conditions:
ALMS1-related disorder. Also called: ALMS1-related condition.

Submission:

PreventionGenetics, part of Exact Sciences
Classification: Uncertain significance for ALMS1-related condition. Last evaluated: 2026-04-06. Review status: criteria provided, single submitter. Criteria: ACMG Guidelines, 2015. Collection method: clinical testing. Allele origin: germline.
Comment: The ALMS1 c.10261G>C variant is predicted to result in the amino acid substitution p.Glu3421Gln. To our knowledge, this variant has not been reported in the literature or in a large population database (gnomAD), indicating this variant is rare. At this time, the clinical significance of this variant is uncertain due to the absence of conclusive functional and genetic evidence.